The following is an entry in ClinVar:

ClinVar aggregate classification (germline): Uncertain significance (1 of 4 stars; one submission).

Conditions:
Familial cold autoinflammatory syndrome 3 (FCAS3). Also called: FAMILIAL ATYPICAL COLD URTICARIA; ANTIBODY DEFICIENCY AND IMMUNE DYSREGULATION, PLCG2-ASSOCIATED. Identifiers: Orphanet 300359, MedGen C3280914, MONDO:0013766, OMIM 614468.

Allele frequency attached by ClinVar (database versions not stated): TOPMed 0.00001; ExAC 0.00002.
gnomAD v4.1: 17 of 1,614,100 alleles (0.0011%); highest among the groups gnomAD compares: South Asian, 0.0044%; no homozygotes.

Submission:

Labcorp Genetics (formerly Invitae), Labcorp
Classification: Uncertain significance for Familial cold autoinflammatory syndrome 3. Last evaluated: 2022-07-19. Review status: criteria provided, single submitter. Criteria: Invitae Variant Classification Sherloc (09022015). Collection method: clinical testing. Allele origin: germline.
Comment: In summary, the available evidence is currently insufficient to determine the role of this variant in disease. Therefore, it has been classified as a Variant of Uncertain Significance. Algorithms developed to predict the effect of missense changes on protein structure and function are either unavailable or do not agree on the potential impact of this missense change (SIFT: "Deleterious"; PolyPhen-2: "Benign"; Align-GVGD: "Class C15"). This variant has not been reported in the literature in individuals affected with PLCG2-related conditions. This variant is present in population databases (rs770601419, gnomAD 0.01%). This sequence change replaces serine, which is neutral and polar, with leucine, which is neutral and non-polar, at codon 225 of the PLCG2 protein (p.Ser225Leu).

NM_002661.5(PLCG2):c.674C>T (p.Ser225Leu)

Gene: PLCG2 (phospholipase C gamma 2; plus strand). Cytogenetic location: 16q23.3.
Variant type: single nucleotide variant.
Coding change: c.674C>T on transcript NM_002661.5 (MANE Select); coding-DNA position 674, C replaced by T.
Protein change: p.Ser225Leu; replaces serine 225 with leucine.
Molecular consequence: missense variant.
Genome position (GRCh38, 1-based): chr16:81,880,935, C>T. VCF-style: chr16-81880935-C-T. GRCh37 (hg19) VCF-style: chr16-81914540-C-T.
Other names: short protein forms S225L.
Identifiers: ClinVar variation 2415378 (VCV002415378.6), dbSNP rs770601419, ClinGen allele CA8193350.
Genomic context (GRCh38, chr16:81,880,935, plus strand): 5'-AAGGTTCTTTTTTTTGTGTGTGCTTTCCATTTCAGATTCTCGATGAATTCAAAAAGGATT[C>T]GTCCGTGTTCATCCTGGGGTGAGGCAGCTCTTGTGTGTCGTTCGGGGCGGCTGTGCCGGA-3'
Protein context (NP_002652.2, residues 215-235): KSILDEFKKD[Ser225Leu]SVFILGNTDR